The following is an entry in ClinVar:

ClinVar aggregate classification (germline): Pathogenic/Likely pathogenic. Review status: criteria provided, multiple submitters, no conflicts (2 of 4 stars). 3 submissions from 3 submitters: Pathogenic (1); Likely pathogenic (2). Last evaluated 2020-05-19.

Conditions:
Intellectual developmental disorder, autosomal dominant 22. Also called: Intellectual disability, autosomal dominant 22. Identifiers: MedGen CN029689, MONDO:0012869, OMIM 612337.

Submissions (3):

GeneDx
Classification: Pathogenic. Last evaluated: 2020-05-19. Review status: criteria provided, single submitter. Criteria: GeneDx Variant Classification Process June 2021. Collection method: clinical testing. Allele origin: germline. Affected: yes.
Comment: Not observed in large population cohorts (Lek et al., 2016); In silico analysis, which includes protein predictors and evolutionary conservation, supports a deleterious effect; Has not been previously published as pathogenic or benign to our knowledge

Baylor Genetics
Classification: Likely pathogenic for Intellectual developmental disorder, autosomal dominant 22. Last evaluated: 2018-08-02. Review status: criteria provided, single submitter. Criteria: ACMG Guidelines, 2015. Collection method: clinical testing. Allele origin: de novo. Affected: yes.
Comment: This variant was determined to be likely pathogenic according to ACMG Guidelines, 2015 [PMID:25741868].

Kasturba Medical College, Manipal, Kasturba Medical College, Manipal, Manipal Academy of Higher Education, Manipal, India
Classification: Likely pathogenic for Intellectual developmental disorder, autosomal dominant 22. Review status: criteria provided, single submitter. Criteria: ACMG Guidelines, 2015. Collection method: clinical testing. Allele origin: germline. Affected: yes.

NM_205768.3(ZBTB18):c.1378C>T (p.His460Tyr)

Gene: ZBTB18 (zinc finger and BTB domain containing 18; plus strand). Cytogenetic location: 1q44.
Variant type: single nucleotide variant.
Coding change: c.1378C>T on transcript NM_205768.3 (MANE Select); coding-DNA position 1378, C replaced by T.
Protein change: p.His460Tyr; replaces histidine 460 with tyrosine.
Molecular consequence: missense variant.
Genome position (GRCh38, 1-based): chr1:244,055,152, C>T. VCF-style: chr1-244055152-C-T. GRCh37 (hg19) VCF-style: chr1-244218454-C-T.
Other names: c.1351C>T, p.His451Tyr (NM_001278196.2, NM_006352.5); short protein forms H451Y, H460Y.
Identifiers: ClinVar variation 1032618 (VCV001032618.7), dbSNP rs1698437148, ClinGen allele CA345674995.
Genomic context (GRCh38, chr1:244,055,152, plus strand): 5'-ACTCACTCGGGGGAGAAGCCCTACACATGCACCCAGTGCGGCAAGAGCTTCCAGTACTCG[C>T]ACAACCTGAGCCGCCATGCCGTGGTGCACACCCGCGAGAAGCCGCACGCCTGCAAGTGGT-3'
Protein context (NP_991331.1, residues 450-470): TQCGKSFQYS[His460Tyr]NLSRHAVVHT